The following is an entry in ClinVar:

ClinVar aggregate classification (germline): Uncertain significance (1 of 4 stars; one submission).

Submission:

Ambry Genetics
Classification: Uncertain significance. Last evaluated: 2022-04-19. Review status: criteria provided, single submitter. Criteria: Ambry Variant Classification Scheme 2023. Collection method: clinical testing. Allele origin: germline.
Comment: The p.S1936G variant (also known as c.5806A>G), located in coding exon 8 of the ALPK2 gene, results from an A to G substitution at nucleotide position 5806. The serine at codon 1936 is replaced by glycine, an amino acid with similar properties. This amino acid position is conserved. In addition, this alteration is predicted to be tolerated by in silico analysis. Since supporting evidence is limited at this time, the clinical significance of this alteration remains unclear.

NM_052947.4(ALPK2):c.5806A>G (p.Ser1936Gly)

Gene: ALPK2 (alpha kinase 2; minus strand). Cytogenetic location: 18q21.31.
Variant type: single nucleotide variant.
Coding change: c.5806A>G on transcript NM_052947.4 (MANE Select); coding-DNA position 5806, A replaced by G.
Protein change: p.Ser1936Gly; replaces serine 1936 with glycine.
Molecular consequence: missense variant.
Genome position (GRCh38, 1-based): chr18:58,517,042, T>C on the plus strand (A>G on the coding strand, the complement: ALPK2 is on the minus strand). VCF-style: chr18-58517042-T-C. GRCh37 (hg19) VCF-style: chr18-56184274-T-C.
Other names: short protein forms S1936G.
Identifiers: ClinVar variation 1749814 (VCV001749814.3), dbSNP rs2518862831, ClinGen allele CA402548744.
Genomic context (GRCh38, chr18:58,517,042, plus strand): 5'-CCTTAAGCACACAGGCATGGCCAGGTTTGAAGACAGGCATGAGGCCGTGCATCACTGTGC[T>C]GCGGAAGGCTTTGCGGTGAACCCCTTCTCCAAAGTGCAGCTCCTCCGTGGCGATCTGACC-3'
Protein context (NP_443179.3, residues 1926-1946): GEGVHRKAFR[Ser1936Gly]TVMHGLMPVF